The following is an entry in ClinVar:

NM_006939.4(SOS2):c.3332C>G (p.Ser1111Cys)

Gene: SOS2 (SOS Ras/Rho guanine nucleotide exchange factor 2; minus strand). Cytogenetic location: 14q21.3.
Variant type: single nucleotide variant.
Coding change: c.3332C>G on transcript NM_006939.4 (MANE Select); coding-DNA position 3332, C replaced by G.
Protein change: p.Ser1111Cys; replaces serine 1111 with cysteine.
Molecular consequence: missense variant.
Genome position (GRCh38, 1-based): chr14:50,130,506, G>C on the plus strand (C>G on the coding strand, the complement: SOS2 is on the minus strand). VCF-style: chr14-50130506-G-C. GRCh37 (hg19) VCF-style: chr14-50597224-G-C.
Other names: c.3233C>G, p.Ser1078Cys (NM_001411020.1); short protein forms S1078C, S1111C.
Identifiers: ClinVar variation 3225965 (VCV003225965.1), dbSNP rs2502824417, ClinGen allele CA389640337.

ClinVar aggregate classification (germline): Uncertain significance (1 of 4 stars; one submission).

Conditions:
Cardiovascular phenotype. Identifiers: MedGen CN230736.

Submission:

Ambry Genetics
Classification: Uncertain significance for Cardiovascular phenotype. Last evaluated: 2023-10-26. Review status: criteria provided, single submitter. Criteria: Ambry Variant Classification Scheme 2023. Collection method: clinical testing. Allele origin: germline.
Comment: The p.S1111C variant (also known as c.3332C>G), located in coding exon 20 of the SOS2 gene, results from a C to G substitution at nucleotide position 3332. The serine at codon 1111 is replaced by cysteine, an amino acid with dissimilar properties. This amino acid position is conserved. In addition, the in silico prediction for this alteration is inconclusive. Since supporting evidence is limited at this time, the clinical significance of this alteration remains unclear.